The following is an entry in ClinVar:

NM_005228.5(EGFR):c.3531T>A (p.Phe1177Leu)

Gene: EGFR (epidermal growth factor receptor; plus strand). Cytogenetic location: 7p11.2.
Variant type: single nucleotide variant.
Coding change: c.3531T>A on transcript NM_005228.5 (MANE Select); coding-DNA position 3531, T replaced by A.
Protein change: p.Phe1177Leu; replaces phenylalanine 1177 with leucine.
Molecular consequence: missense variant.
Genome position (GRCh38, 1-based): chr7:55,205,515, T>A. VCF-style: chr7-55205515-T-A. GRCh37 (hg19) VCF-style: chr7-55273208-T-A.
Other names: c.3531T>A (NM_005228.3); c.3396T>A, p.Phe1132Leu (NM_001346899.2); c.3372T>A, p.Phe1124Leu (NM_001346900.2); c.2730T>A, p.Phe910Leu (NM_001346941.2); short protein forms F1132L, F910L, F1124L, F1177L.
Identifiers: ClinVar variation 1506383 (VCV001506383.9), dbSNP rs756556775, ClinGen allele CA4266416.

ClinVar aggregate classification (germline): Uncertain significance. Review status: criteria provided, multiple submitters, no conflicts (2 of 4 stars). 2 submissions from 2 submitters: Uncertain significance (2). Last evaluated 2025-11-10.

Conditions:
Hereditary cancer-predisposing syndrome. Also called: Hereditary neoplastic syndrome; Tumor predisposition; Neoplastic Syndromes, Hereditary; Hereditary Cancer Syndrome. Identifiers: Orphanet 140162, MedGen C0027672, MeSH D009386, MONDO:0015356.
EGFR-related lung cancer (EGFR). Identifiers: MedGen CN130014.

Allele frequency attached by ClinVar (database versions not stated): gnomAD exomes below 0.00001; ExAC 0.00001.
gnomAD v4.1: 1 of 1,614,098 alleles (0.000062%); highest among the groups gnomAD compares: Middle Eastern, 0.016%; no homozygotes.

Submissions (2):

Labcorp Genetics (formerly Invitae), Labcorp
Classification: Uncertain significance for EGFR-related lung cancer. Last evaluated: 2025-11-10. Review status: criteria provided, single submitter. Criteria: Invitae Variant Classification Sherloc (09022015). Collection method: clinical testing. Allele origin: germline.
Comment: This sequence change replaces phenylalanine, which is neutral and non-polar, with leucine, which is neutral and non-polar, at codon 1177 of the EGFR protein (p.Phe1177Leu). This variant is present in population databases (rs756556775, gnomAD no frequency). This variant has not been reported in the literature in individuals affected with EGFR-related conditions. ClinVar contains an entry for this variant (Variation ID: 1506383). An algorithm developed to predict the effect of missense changes on protein structure and function outputs the following: PolyPhen-2: "Benign". The leucine amino acid residue is found in multiple mammalian species, which suggests that this missense change does not adversely affect protein function. In summary, the available evidence is currently insufficient to determine the role of this variant in disease. Therefore, it has been classified as a Variant of Uncertain Significance.

Ambry Genetics
Classification: Uncertain significance for Hereditary cancer-predisposing syndrome. Last evaluated: 2025-10-28. Review status: criteria provided, single submitter. Criteria: Ambry Variant Classification Scheme 2023. Collection method: clinical testing. Allele origin: germline.
Comment: The p.F1177L variant (also known as c.3531T>A), located in coding exon 28 of the EGFR gene, results from a T to A substitution at nucleotide position 3531. The phenylalanine at codon 1177 is replaced by leucine, an amino acid with highly similar properties. This amino acid position is conserved. In addition, this alteration is predicted to be tolerated by in silico analysis. Based on the available evidence, the clinical significance of this variant remains unclear.